The following is an entry in ClinVar:

ClinVar aggregate classification (germline): Benign/Likely benign. Review status: criteria provided, multiple submitters, no conflicts (2 of 4 stars). 3 submissions from 3 submitters: Benign (2); Likely benign (1). Last evaluated 2026-07-01.

Allele frequency attached by ClinVar (database versions not stated): 1000 Genomes Project 30x 0.00219; 1000 Genomes Project 0.00220; TOPMed 0.00365; gnomAD 0.00411 and 0.00429; ESP Exome Variant Server 0.00415; gnomAD exomes 0.00487 and 0.00604; ExAC 0.00517.
gnomAD v4.1: 9,440 of 1,613,784 alleles (0.58%); highest among the groups gnomAD compares: Non-Finnish European, 0.66%; 31 homozygotes.

Submissions (3):

CeGaT Center for Human Genetics Tuebingen
Classification: Likely benign. Last evaluated: 2026-07-01. Review status: criteria provided, single submitter. Criteria: CeGaT Center For Human Genetics Tuebingen Variant Classification Criteria Version 2. Collection method: clinical testing. Allele origin: germline. Affected: yes. Observed: 3 variant alleles.
Comment: ACBD6: BP4, BP7, BS2

Labcorp Genetics (formerly Invitae), Labcorp
Classification: Benign. Last evaluated: 2019-12-31. Review status: criteria provided, single submitter. Criteria: Invitae Variant Classification Sherloc (09022015). Collection method: clinical testing. Allele origin: germline.

Breakthrough Genomics
Classification: Benign. Review status: criteria provided, single submitter. Criteria: ACMG Guidelines, 2015. Collection method: not provided. Allele origin: germline. Inheritance: Unknown mechanism. Affected: yes.

NM_032360.4(ACBD6):c.744T>G (p.Gly248=)

Gene: ACBD6 (acyl-CoA binding domain containing 6; minus strand). Cytogenetic location: 1q25.2.
Variant type: single nucleotide variant.
Coding change: c.744T>G on transcript NM_032360.4 (MANE Select); coding-DNA position 744, T replaced by G.
Protein change: p.Gly248=; no amino-acid change (glycine 248 retained).
Molecular consequence: synonymous variant.
Genome position (GRCh38, 1-based): chr1:180,288,468, A>C on the plus strand (T>G on the coding strand, the complement: ACBD6 is on the minus strand). VCF-style: chr1-180288468-A-C. GRCh37 (hg19) VCF-style: chr1-180257603-A-C.
Identifiers: ClinVar variation 789261 (VCV000789261.13), dbSNP rs72712998, ClinGen allele CA1272147.